The following is an entry in ClinVar:

NM_000368.5(TSC1):c.2333_2336del (p.Gln778fs)

Gene: TSC1 (TSC complex subunit 1; minus strand). Cytogenetic location: 9q34.13.
Variant type: Deletion.
Coding change: c.2333_2336del on transcript NM_000368.5 (MANE Select); coding-DNA positions 2333 to 2336, 4 bases deleted (AGAT; older notation c.2333_2336delAGAT).
Protein change: p.Gln778fs; shifts the reading frame from glutamine 778.
Molecular consequence: frameshift variant. On other transcripts: non-coding transcript variant (5).
Genome position (GRCh38, 1-based): chr9:132,902,660-132,902,663, ATCT deleted on the plus strand (AGAT on the coding strand, the reverse complement: TSC1 is on the minus strand). VCF-style (leftmost placement, unchanged base first): chr9-132902659-GATCT-G. GRCh37 (hg19) VCF-style: chr9-135778046-GATCT-G.
Other names: c.2330_2333del, p.Gln777fs (NM_001406608.1, NM_001406609.1, NM_001162426.2 and 4 more transcripts); c.2180_2183del, p.Gln727fs (NM_001406610.1, NM_001162427.2); c.2177_2180del, p.Gln726fs (NM_001406611.1, NM_001406612.1, NM_001406613.1); c.1970_1973del, p.Gln657fs (NM_001406614.1, NM_001406615.1, NM_001406616.1 and 5 more transcripts); c.1382_1385del, p.Gln461fs (NM_001406626.1); c.1379_1382del, p.Gln460fs (NM_001406627.1, NM_001406628.1); c.1280_1283del, p.Gln427fs (NM_001406629.1, NM_001406630.1); c.2333_2336del, p.Gln778fs (NM_001406592.1, NM_001406593.1, NM_001406594.1 and 5 more transcripts); and 3 more; short protein forms Q657fs, Q727fs, Q773fs, Q777fs, Q461fs, Q427fs, Q460fs, Q726fs.
Identifiers: ClinVar variation 3974535 (VCV003974535.1).

ClinVar aggregate classification (germline): Pathogenic (1 of 4 stars; one submission).

Conditions:
Hereditary cancer-predisposing syndrome. Also called: Tumor predisposition; Hereditary neoplastic syndrome; Hereditary Cancer Syndrome; Neoplastic Syndromes, Hereditary. Identifiers: Orphanet 140162, MedGen C0027672, MeSH D009386, MONDO:0015356.

Submission:

Ambry Genetics
Classification: Pathogenic for Hereditary cancer-predisposing syndrome. Last evaluated: 2025-04-04. Review status: criteria provided, single submitter. Criteria: Ambry Variant Classification Scheme 2023. Collection method: clinical testing. Allele origin: germline.
Comment: The c.2333_2336delAGAT pathogenic mutation, located in coding exon 16 of the TSC1 gene, results from a deletion of 4 nucleotides at nucleotide positions 2333 to 2336, causing a translational frameshift with a predicted alternate stop codon (p.Q778Pfs*28). This variant is considered to be rare based on population cohorts in the Genome Aggregation Database (gnomAD). This alteration is expected to result in loss of function by premature protein truncation or nonsense-mediated mRNA decay. As such, this alteration is interpreted as a disease-causing mutation.